The following is an entry in ClinVar:

NM_006031.6(PCNT):c.4108C>T (p.Arg1370Trp)

Gene: PCNT (pericentrin; plus strand). Cytogenetic location: 21q22.3.
Variant type: single nucleotide variant.
Coding change: c.4108C>T on transcript NM_006031.6 (MANE Select); coding-DNA position 4108, C replaced by T.
Protein change: p.Arg1370Trp; replaces arginine 1370 with tryptophan.
Molecular consequence: missense variant.
Genome position (GRCh38, 1-based): chr21:46,391,268, C>T. VCF-style: chr21-46391268-C-T. GRCh37 (hg19) VCF-style: chr21-47811183-C-T.
Other names: c.3754C>T, p.Arg1252Trp (NM_001315529.2); c.4108C>T (NM_006031.5); short protein forms R1252W, R1370W.
Identifiers: ClinVar variation 1206049 (VCV001206049.6), dbSNP rs751846963, ClinGen allele CA10079537.
Genomic context (GRCh38, chr21:46,391,268, plus strand): 5'-GTGCTGGCCGGGAAGGAGGATTCCGAGCACCGTCTGGTGCTGGAGCTGGAGAGCCTGAGA[C>T]GGCAGCTGCAGCAGGCGGCCCAGGAGCAGGCGGCGCTGAGGGAGGAGTGCACCCGTCTGT-3'
Protein context (NP_006022.3, residues 1360-1380): RLVLELESLR[Arg1370Trp]QLQQAAQEQA

ClinVar aggregate classification (germline): Uncertain significance. Review status: criteria provided, single submitter (1 of 4 stars). 4 submissions from 4 submitters: Uncertain significance (1). 3 of the submissions do not count toward it. Last evaluated 2025-10-01.

Conditions:
PCNT-related disorder. Also called: PCNT-related condition.

Allele frequency attached by ClinVar (database versions not stated): gnomAD exomes below 0.00001 and 0.00001; TOPMed 0.00001; ExAC 0.00002; gnomAD 0.00002 and 0.00003.
gnomAD v4.1: 12 of 1,597,268 alleles (0.00075%); highest among the groups gnomAD compares: South Asian, 0.0045%; no homozygotes.

Submissions (4):

Labcorp Genetics (formerly Invitae), Labcorp
Classification: Uncertain significance. Last evaluated: 2025-10-01. Review status: criteria provided, single submitter. Criteria: Invitae Variant Classification Sherloc (09022015). Collection method: clinical testing. Allele origin: germline.
Comment: This sequence change replaces arginine, which is basic and polar, with tryptophan, which is neutral and slightly polar, at codon 1370 of the PCNT protein (p.Arg1370Trp). The frequency data for this variant in the population databases is considered unreliable, as metrics indicate poor data quality at this position in the gnomAD database. This variant has not been reported in the literature in individuals affected with PCNT-related conditions. ClinVar contains an entry for this variant (Variation ID: 1206049). An algorithm developed to predict the effect of missense changes on protein structure and function outputs the following: PolyPhen-2: "Benign". The tryptophan amino acid residue is found in multiple mammalian species, which suggests that this missense change does not adversely affect protein function. In summary, the available evidence is currently insufficient to determine the role of this variant in disease. Therefore, it has been classified as a Variant of Uncertain Significance.

PreventionGenetics, part of Exact Sciences
Classification: Uncertain significance for PCNT-related condition. Last evaluated: 2024-03-27. Review status: no assertion criteria provided. Collection method: clinical testing. Allele origin: germline. Not counted in ClinVar's aggregate classification.
Comment: The PCNT c.4108C>T variant is predicted to result in the amino acid substitution p.Arg1370Trp. To our knowledge, this variant has not been reported in the literature. This variant is reported in 0.0037% of alleles in individuals of South Asian descent in gnomAD. At this time, the clinical significance of this variant is uncertain due to the absence of conclusive functional and genetic evidence.

Clinical Genetics DNA and cytogenetics Diagnostics Lab, Erasmus MC, Erasmus Medical Center
Classification: Likely benign. Review status: no assertion criteria provided. Collection method: clinical testing. Allele origin: germline. Affected: yes. Study: VKGL Data-share Consensus. Not counted in ClinVar's aggregate classification.

Laboratory of Diagnostic Genome Analysis, Leiden University Medical Center (LUMC)
Classification: Likely benign. Review status: no assertion criteria provided. Collection method: clinical testing. Allele origin: germline. Affected: yes. Study: VKGL Data-share Consensus. Not counted in ClinVar's aggregate classification.